The following is an entry in ClinVar:

NM_001024630.4(RUNX2):c.685+26477C>T

Gene: RUNX2 (RUNX family transcription factor 2; plus strand). Cytogenetic location: 6p21.1.
Variant type: single nucleotide variant.
Coding change: c.685+26477C>T on transcript NM_001024630.4 (MANE Select); 26477 bases into the intron after coding-DNA position 685, C replaced by T.
Molecular consequence: intron variant.
Genome position (GRCh38, 1-based): chr6:45,464,528, C>T. VCF-style: chr6-45464528-C-T. GRCh37 (hg19) VCF-style: chr6-45432265-C-T.
Other names: c.685+26477C>T (NM_001015051.4); c.643+26477C>T (NM_001369405.1, NM_001278478.2).
Identifiers: ClinVar variation 3345352 (VCV003345352.1).

ClinVar aggregate classification (germline): Benign (0 of 4 stars; one submission).

Conditions:
RUNX2-related disorder. Also called: RUNX2-related condition.

gnomAD v4.1: 41,532 of 152,016 alleles (27%); highest among the groups gnomAD compares: Non-Finnish European, 34%; 6,221 homozygotes.

Submission:

PreventionGenetics, part of Exact Sciences
Classification: Benign for RUNX2-related condition. Last evaluated: 2024-09-12. Review status: no assertion criteria provided. Collection method: clinical testing. Allele origin: germline.
Comment: This variant is classified as benign based on ACMG/AMP sequence variant interpretation guidelines (Richards et al. 2015 PMID: 25741868, with internal and published modifications).